The following is an entry in ClinVar:

ClinVar aggregate classification (germline): Uncertain significance (1 of 4 stars; one submission).

Conditions:
Meckel-Gruber syndrome. Also called: Dysencephalia splachnocystica; DYSENCEPHALIA SPLANCHNOCYSTICA; GRUBER SYNDROME. Identifiers: Orphanet 564, MedGen C0265215, MONDO:0018921.
Nephronophthisis. Also called: Juvenile Nephronophthisis. Identifiers: Orphanet 655, MedGen C0687120, MONDO:0019005, HP:0000090.
Joubert syndrome. Also called: Familial aplasia of the vermis; CEREBELLOPARENCHYMAL DISORDER IV; JOUBERT-BOLTSHAUSER SYNDROME. Identifiers: Orphanet 475, MedGen C5979921, MONDO:0018772.

Submission:

Labcorp Genetics (formerly Invitae), Labcorp
Classification: Uncertain significance for Joubert syndrome; Meckel-Gruber syndrome; Nephronophthisis. Last evaluated: 2019-10-14. Review status: criteria provided, single submitter. Criteria: Invitae Variant Classification Sherloc (09022015). Collection method: clinical testing. Allele origin: germline.
Comment: Algorithms developed to predict the effect of missense changes on protein structure and function are either unavailable or do not agree on the potential impact of this missense change (SIFT: "Deleterious"; PolyPhen-2: "Probably Damaging"; Align-GVGD: "Class C0"). In summary, the available evidence is currently insufficient to determine the role of this variant in disease. Therefore, it has been classified as a Variant of Uncertain Significance. This variant has not been reported in the literature in individuals with CEP290-related conditions. This variant is not present in population databases (ExAC no frequency). This sequence change replaces leucine with phenylalanine at codon 910 of the CEP290 protein (p.Leu910Phe). The leucine residue is highly conserved and there is a small physicochemical difference between leucine and phenylalanine.

NM_025114.4(CEP290):c.2728C>T (p.Leu910Phe)

Gene: CEP290 (centrosomal protein 290; minus strand). Cytogenetic location: 12q21.32.
Variant type: single nucleotide variant.
Coding change: c.2728C>T on transcript NM_025114.4 (MANE Select); coding-DNA position 2728, C replaced by T.
Protein change: p.Leu910Phe; replaces leucine 910 with phenylalanine.
Molecular consequence: missense variant.
Genome position (GRCh38, 1-based): chr12:88,106,764, G>A on the plus strand (C>T on the coding strand, the complement: CEP290 is on the minus strand). VCF-style: chr12-88106764-G-A. GRCh37 (hg19) VCF-style: chr12-88500541-G-A.
Other names: short protein forms L910F.
Identifiers: ClinVar variation 957490 (VCV000957490.10), dbSNP rs375348494, ClinGen allele CA385971031.